The following is an entry in ClinVar:

NM_138694.4(PKHD1):c.11507-8C>T

Gene: PKHD1 (PKHD1 ciliary IPT domain containing fibrocystin/polyductin; minus strand). Cytogenetic location: 6p12.3.
Variant type: single nucleotide variant.
Coding change: c.11507-8C>T on transcript NM_138694.4 (MANE Select); 8 bases into the intron before coding-DNA position 11507, C replaced by T.
Molecular consequence: intron variant.
Genome position (GRCh38, 1-based): chr6:51,632,731, G>A on the plus strand (C>T on the coding strand, the complement: PKHD1 is on the minus strand). VCF-style: chr6-51632731-G-A. GRCh37 (hg19) VCF-style: chr6-51497529-G-A.
Identifiers: ClinVar variation 910789 (VCV000910789.11), dbSNP rs755710579, ClinGen allele CA3850795.

ClinVar aggregate classification (germline): Conflicting classifications of pathogenicity. Review status: criteria provided, conflicting classifications (1 of 4 stars). 4 submissions from 4 submitters: Uncertain significance (1); Likely benign (2). 1 of the submissions does not count toward it. Last evaluated 2024-02-09.

Conditions:
Autosomal recessive polycystic kidney disease (ARPKD). Also called: AR polycystic kidney disease. Identifiers: Orphanet 731, Orphanet 8378, MedGen C0085548, MeSH D017044, MONDO:0009889.
PKHD1-related disorder. Also called: PKHD1-related condition.

Allele frequency attached by ClinVar (database versions not stated): gnomAD exomes 0.00002 and 0.00004; TOPMed 0.00002; gnomAD 0.00003; ExAC 0.00005.
gnomAD v4.1: 32 of 1,610,040 alleles (0.002%); highest among the groups gnomAD compares: South Asian, 0.016%; no homozygotes.

Submissions (4):

Labcorp Genetics (formerly Invitae), Labcorp
Classification: Likely benign for Autosomal recessive polycystic kidney disease. Last evaluated: 2024-02-09. Review status: criteria provided, single submitter. Criteria: Invitae Variant Classification Sherloc (09022015). Collection method: clinical testing. Allele origin: germline.

Blueprint Genetics
Classification: Likely benign. Last evaluated: 2022-12-16. Review status: criteria provided, single submitter. Criteria: ACMG Guidelines, 2015. Collection method: clinical testing. Allele origin: germline.

Illumina Laboratory Services, Illumina
Classification: Uncertain significance for Polycystic kidney disease 4. Last evaluated: 2018-01-12. Review status: criteria provided, single submitter. Criteria: ICSL Variant Classification Criteria 13 December 2019. Collection method: clinical testing. Allele origin: germline.

PreventionGenetics, part of Exact Sciences
Classification: Likely benign for PKHD1-related condition. Last evaluated: 2019-07-12. Review status: no assertion criteria provided. Collection method: clinical testing. Allele origin: germline. Not counted in ClinVar's aggregate classification.
Comment: This variant is classified as likely benign based on ACMG/AMP sequence variant interpretation guidelines (Richards et al. 2015 PMID: 25741868, with internal and published modifications).